The following is an entry in ClinVar:

ClinVar aggregate classification (germline): Uncertain significance. Review status: criteria provided, multiple submitters, no conflicts (2 of 4 stars). 2 submissions from 2 submitters: Uncertain significance (2). Last evaluated 2025-01-31.

Conditions:
Tietz syndrome (TADS). Also called: ALBINISM-DEAFNESS OF TIETZ; TIETZ ALBINISM-DEAFNESS SYNDROME; HYPOPIGMENTATION/DEAFNESS OF TIETZ. Identifiers: Orphanet 42665, MedGen C0391816, MONDO:0007077, OMIM 103500.
Melanoma, cutaneous malignant, susceptibility to, 8. Also called: Cutaneous malignant melanoma 8; MELANOMA AND RENAL CELL CARCINOMA, SUSCEPTIBILITY TO. Identifiers: Orphanet 293822, MedGen C3152204, MONDO:0013759, OMIM 614456.
Waardenburg syndrome type 2A (WS2A). Also called: WAARDENBURG SYNDROME WITHOUT DYSTOPIA CANTHORUM. Identifiers: Orphanet 3440, MedGen C1860339, MONDO:0008671, OMIM 193510.
Hereditary cancer-predisposing syndrome. Also called: Neoplastic Syndromes, Hereditary; Hereditary Cancer Syndrome; Tumor predisposition; Hereditary neoplastic syndrome. Identifiers: Orphanet 140162, MedGen C0027672, MeSH D009386, MONDO:0015356.

Allele frequency attached by ClinVar (database versions not stated): TOPMed 0.00001.

Submissions (2):

Ambry Genetics
Classification: Uncertain significance for Hereditary cancer-predisposing syndrome. Last evaluated: 2025-01-31. Review status: criteria provided, single submitter. Criteria: Ambry Variant Classification Scheme 2023. Collection method: clinical testing. Allele origin: germline.
Comment: The p.A98T variant (also known as c.292G>A), located in coding exon 3 of the MITF gene, results from a G to A substitution at nucleotide position 292. The alanine at codon 98 is replaced by threonine, an amino acid with similar properties. This amino acid position is conserved. In addition, this alteration is predicted to be tolerated by in silico analysis. Based on the available evidence, the clinical significance of this variant remains unclear.

Labcorp Genetics (formerly Invitae), Labcorp
Classification: Uncertain significance for Melanoma, cutaneous malignant, susceptibility to, 8; Waardenburg syndrome type 2A; Tietz syndrome. Last evaluated: 2024-01-28. Review status: criteria provided, single submitter. Criteria: Invitae Variant Classification Sherloc (09022015). Collection method: clinical testing. Allele origin: germline.
Comment: This sequence change replaces alanine, which is neutral and non-polar, with threonine, which is neutral and polar, at codon 98 of the MITF protein (p.Ala98Thr). This variant is not present in population databases (gnomAD no frequency). This variant has not been reported in the literature in individuals affected with MITF-related conditions. ClinVar contains an entry for this variant (Variation ID: 1913431). An algorithm developed to predict the effect of missense changes on protein structure and function (PolyPhen-2) suggests that this variant is likely to be tolerated. In summary, the available evidence is currently insufficient to determine the role of this variant in disease. Therefore, it has been classified as a Variant of Uncertain Significance.

NM_001354604.2(MITF):c.613G>A (p.Ala205Thr)

Gene: MITF (melanocyte inducing transcription factor; plus strand). Cytogenetic location: 3p13.
Variant type: single nucleotide variant.
Coding change: c.613G>A on transcript NM_001354604.2 (MANE Select); coding-DNA position 613, G replaced by A.
Protein change: p.Ala205Thr; replaces alanine 205 with threonine.
Molecular consequence: missense variant.
Genome position (GRCh38, 1-based): chr3:69,939,128, G>A. VCF-style: chr3-69939128-G-A. GRCh37 (hg19) VCF-style: chr3-69988279-G-A.
Other names: c.124G>A, p.Ala42Thr (NM_198178.3); c.292G>A, p.Ala98Thr (NM_000248.4, NM_198158.3); c.457G>A, p.Ala153Thr (NM_001184967.2, NM_001354608.2); c.610G>A, p.Ala204Thr (NM_001354605.2, NM_001354606.2, NM_006722.3); c.562G>A, p.Ala188Thr (NM_001354607.2); c.613G>A, p.Ala205Thr (NM_198159.3); c.565G>A, p.Ala189Thr (NM_198177.3); short protein forms A204T, A98T, A188T, A205T, A153T, A189T, A42T.
Identifiers: ClinVar variation 1913431 (VCV001913431.6), dbSNP rs749957296, ClinGen allele CA77000668.